The following is an entry in ClinVar:

NM_000287.4(PEX6):c.2753G>A (p.Cys918Tyr)

Gene: PEX6 (peroxisomal biogenesis factor 6; minus strand). Cytogenetic location: 6p21.1.
Variant type: single nucleotide variant.
Coding change: c.2753G>A on transcript NM_000287.4 (MANE Select); coding-DNA position 2753, G replaced by A.
Protein change: p.Cys918Tyr; replaces cysteine 918 with tyrosine.
Molecular consequence: missense variant. On other transcripts: non-coding transcript variant (1).
Genome position (GRCh38, 1-based): chr6:42,964,843, C>T on the plus strand (G>A on the coding strand, the complement: PEX6 is on the minus strand). VCF-style: chr6-42964843-C-T. GRCh37 (hg19) VCF-style: chr6-42932581-C-T.
Other names: c.2489G>A, p.Cys830Tyr (NM_001316313.2); short protein forms C918Y, C830Y.
Identifiers: ClinVar variation 1478612 (VCV001478612.6), dbSNP rs1418426929, ClinGen allele CA364150255.

ClinVar aggregate classification (germline): Uncertain significance (1 of 4 stars; one submission).

Conditions:
Peroxisome biogenesis disorder. Identifiers: Orphanet 79189, MedGen C1832200, MONDO:0019234. Disease mechanism: loss of function.

Allele frequency attached by ClinVar (database versions not stated): gnomAD exomes below 0.00001.
gnomAD v4.1: 2 of 1,614,130 alleles (0.00012%); highest among the groups gnomAD compares: South Asian, 0.0011%; no homozygotes.

Submission:

Labcorp Genetics (formerly Invitae), Labcorp
Classification: Uncertain significance for Peroxisome biogenesis disorder. Last evaluated: 2022-08-16. Review status: criteria provided, single submitter. Criteria: Invitae Variant Classification Sherloc (09022015). Collection method: clinical testing. Allele origin: germline.
Comment: This sequence change replaces cysteine, which is neutral and slightly polar, with tyrosine, which is neutral and polar, at codon 918 of the PEX6 protein (p.Cys918Tyr). This variant is present in population databases (no rsID available, gnomAD 0.003%). This variant has not been reported in the literature in individuals affected with PEX6-related conditions. ClinVar contains an entry for this variant (Variation ID: 1478612). Algorithms developed to predict the effect of missense changes on protein structure and function are either unavailable or do not agree on the potential impact of this missense change (SIFT: "Deleterious"; PolyPhen-2: "Probably Damaging"; Align-GVGD: "Class C0"). In summary, the available evidence is currently insufficient to determine the role of this variant in disease. Therefore, it has been classified as a Variant of Uncertain Significance.